The following is an entry in ClinVar:

NM_015378.4(VPS13D):c.2918G>A (p.Arg973Gln)

Gene: VPS13D (vacuolar protein sorting 13 homolog D; plus strand). Cytogenetic location: 1p36.22.
Variant type: single nucleotide variant.
Coding change: c.2918G>A on transcript NM_015378.4 (MANE Select); coding-DNA position 2918, G replaced by A.
Protein change: p.Arg973Gln; replaces arginine 973 with glutamine.
Molecular consequence: missense variant.
Genome position (GRCh38, 1-based): chr1:12,276,506, G>A. VCF-style: chr1-12276506-G-A. GRCh37 (hg19) VCF-style: chr1-12336563-G-A.
Other names: c.2918G>A, p.Arg973Gln (NM_018156.4); short protein forms R973Q.
Identifiers: ClinVar variation 2781355 (VCV002781355.3), dbSNP rs761310083, ClinGen allele CA601891.

ClinVar aggregate classification (germline): Uncertain significance (1 of 4 stars; one submission).

Allele frequency attached by ClinVar (database versions not stated): ExAC 0.00001; TOPMed 0.00001.
gnomAD v4.1: 18 of 1,614,086 alleles (0.0011%); highest among the groups gnomAD compares: Middle Eastern, 0.049%; no homozygotes.

Submission:

Labcorp Genetics (formerly Invitae), Labcorp
Classification: Uncertain significance. Last evaluated: 2023-03-08. Review status: criteria provided, single submitter. Criteria: Invitae Variant Classification Sherloc (09022015). Collection method: clinical testing. Allele origin: germline.
Comment: This sequence change replaces arginine, which is basic and polar, with glutamine, which is neutral and polar, at codon 973 of the VPS13D protein (p.Arg973Gln). This variant is present in population databases (rs761310083, gnomAD 0.003%). This variant has not been reported in the literature in individuals affected with VPS13D-related conditions. Advanced modeling of protein sequence and biophysical properties (such as structural, functional, and spatial information, amino acid conservation, physicochemical variation, residue mobility, and thermodynamic stability) performed at Invitae indicates that this missense variant is not expected to disrupt VPS13D protein function. In summary, the available evidence is currently insufficient to determine the role of this variant in disease. Therefore, it has been classified as a Variant of Uncertain Significance.